The following is an entry in ClinVar:

ClinVar aggregate classification (germline): Uncertain significance (1 of 4 stars; one submission).

Submission:

Labcorp Genetics (formerly Invitae), Labcorp
Classification: Uncertain significance. Last evaluated: 2023-07-26. Review status: criteria provided, single submitter. Criteria: Invitae Variant Classification Sherloc (09022015). Collection method: clinical testing. Allele origin: germline.
Comment: In summary, the available evidence is currently insufficient to determine the role of this variant in disease. Therefore, it has been classified as a Variant of Uncertain Significance. Advanced modeling of protein sequence and biophysical properties (such as structural, functional, and spatial information, amino acid conservation, physicochemical variation, residue mobility, and thermodynamic stability) performed at Invitae indicates that this missense variant is expected to disrupt TAB2 protein function. This variant has not been reported in the literature in individuals affected with TAB2-related conditions. This variant is not present in population databases (gnomAD no frequency). This sequence change replaces cysteine, which is neutral and slightly polar, with tyrosine, which is neutral and polar, at codon 687 of the TAB2 protein (p.Cys687Tyr).

NM_001292034.3(TAB2):c.2060G>A (p.Cys687Tyr)

Gene: TAB2 (TGF-beta activated kinase 1 (MAP3K7) binding protein 2; plus strand). Cytogenetic location: 6q25.1.
Variant type: single nucleotide variant.
Coding change: c.2060G>A on transcript NM_001292034.3 (MANE Select); coding-DNA position 2060, G replaced by A.
Protein change: p.Cys687Tyr; replaces cysteine 687 with tyrosine.
Molecular consequence: missense variant.
Genome position (GRCh38, 1-based): chr6:149,409,697, G>A. VCF-style: chr6-149409697-G-A. GRCh37 (hg19) VCF-style: chr6-149730833-G-A.
Other names: c.1964G>A, p.Cys655Tyr (NM_001292035.3); c.2060G>A, p.Cys687Tyr (NM_001369506.1, NM_015093.6); short protein forms C655Y, C687Y.
Identifiers: ClinVar variation 2745241 (VCV002745241.3), dbSNP rs2483572306, ClinGen allele CA366007568.